The following is an entry in ClinVar:

ClinVar aggregate classification (germline): Uncertain significance (1 of 4 stars; one submission).

Allele frequency attached by ClinVar (database versions not stated): ExAC 0.00001; gnomAD exomes 0.00001.
gnomAD v4.1: 22 of 1,613,016 alleles (0.0014%); highest among the groups gnomAD compares: East Asian, 0.033%; 1 homozygote.

Submission:

Labcorp Genetics (formerly Invitae), Labcorp
Classification: Uncertain significance. Last evaluated: 2022-05-08. Review status: criteria provided, single submitter. Criteria: Invitae Variant Classification Sherloc (09022015). Collection method: clinical testing. Allele origin: germline.
Comment: This sequence change replaces glycine, which is neutral and non-polar, with aspartic acid, which is acidic and polar, at codon 2168 of the CPLANE1 protein (p.Gly2168Asp). This variant is present in population databases (rs762551958, gnomAD 0.01%). This variant has not been reported in the literature in individuals affected with CPLANE1-related conditions. Advanced modeling of protein sequence and biophysical properties (such as structural, functional, and spatial information, amino acid conservation, physicochemical variation, residue mobility, and thermodynamic stability) performed at Invitae indicates that this missense variant is not expected to disrupt CPLANE1 protein function. In summary, the available evidence is currently insufficient to determine the role of this variant in disease. Therefore, it has been classified as a Variant of Uncertain Significance.

NM_001384732.1(CPLANE1):c.6503G>A (p.Gly2168Asp)

Gene: CPLANE1 (ciliogenesis and planar polarity effector complex subunit 1; minus strand). Cytogenetic location: 5p13.2.
Variant type: single nucleotide variant.
Coding change: c.6503G>A on transcript NM_001384732.1 (MANE Select); coding-DNA position 6503, G replaced by A.
Protein change: p.Gly2168Asp; replaces glycine 2168 with aspartic acid.
Molecular consequence: missense variant.
Genome position (GRCh38, 1-based): chr5:37,169,521, C>T on the plus strand (G>A on the coding strand, the complement: CPLANE1 is on the minus strand). VCF-style: chr5-37169521-C-T. GRCh37 (hg19) VCF-style: chr5-37169623-C-T.
Other names: c.6503G>A, p.Gly2168Asp (NM_023073.4); short protein forms G2168D.
Identifiers: ClinVar variation 2077096 (VCV002077096.1), dbSNP rs762551958, ClinGen allele CA3238232.
Genomic context (GRCh38, chr5:37,169,521, plus strand): 5'-TAAAACGAAGTGGATGGTAAGTTTTGAGATGATGGAATTGGTCCTTTTTTCCGGGGCTGG[C>T]CATTTAATTGACATAAAGGAATACTCCCATGTGGAACATTCTGGAAGAGAAAAAAGATAT-3'
Protein context (NP_001371661.1, residues 2158-2178): HGSIPLCQLN[Gly2168Asp]QPRKKGPIPS